The following is an entry in ClinVar:

ClinVar aggregate classification (germline): Uncertain significance (1 of 4 stars; one submission).

Submission:

Labcorp Genetics (formerly Invitae), Labcorp
Classification: Uncertain significance. Last evaluated: 2024-02-24. Review status: criteria provided, single submitter. Criteria: Invitae Variant Classification Sherloc (09022015). Collection method: clinical testing. Allele origin: germline.
Comment: This sequence change replaces lysine, which is basic and polar, with asparagine, which is neutral and polar, at codon 103 of the NUP85 protein (p.Lys103Asn). This variant is not present in population databases (gnomAD no frequency). This variant has not been reported in the literature in individuals affected with NUP85-related conditions. ClinVar contains an entry for this variant (Variation ID: 2119347). An algorithm developed to predict the effect of missense changes on protein structure and function (PolyPhen-2) suggests that this variant is likely to be disruptive. In summary, the available evidence is currently insufficient to determine the role of this variant in disease. Therefore, it has been classified as a Variant of Uncertain Significance.

NM_024844.5(NUP85):c.309A>C (p.Lys103Asn)

Gene: NUP85 (nucleoporin 85; plus strand). Cytogenetic location: 17q25.1.
Variant type: single nucleotide variant.
Coding change: c.309A>C on transcript NM_024844.5 (MANE Select); coding-DNA position 309, A replaced by C.
Protein change: p.Lys103Asn; replaces lysine 103 with asparagine.
Molecular consequence: missense variant.
Genome position (GRCh38, 1-based): chr17:75,212,010, A>C. VCF-style: chr17-75212010-A-C. GRCh37 (hg19) VCF-style: chr17-73208105-A-C.
Other names: c.171A>C, p.Lys57Asn (NM_001303276.2); c.309A>C, p.Lys103Asn (NM_001330472.2); short protein forms K57N, K103N.
Identifiers: ClinVar variation 2119347 (VCV002119347.4), dbSNP rs2544815584, ClinGen allele CA400974171.